The following is an entry in ClinVar:

ClinVar aggregate classification (germline): Likely benign (1 of 4 stars; one submission).

gnomAD v4.1: 2,716 of 1,609,890 alleles (0.17%); highest among the groups gnomAD compares: Middle Eastern, 0.26%; 6 homozygotes.

Submission:

CeGaT Center for Human Genetics Tuebingen
Classification: Likely benign. Last evaluated: 2026-04-01. Review status: criteria provided, single submitter. Criteria: CeGaT Center For Human Genetics Tuebingen Variant Classification Criteria Version 2. Collection method: clinical testing. Allele origin: germline. Affected: yes. Observed: 2 variant alleles.
Comment: TPR: BP4

NM_003292.3(TPR):c.3602+8A>G

Genes: TPR (translocated promoter region, nuclear basket protein; minus strand), LOC126805954 (CDK7 strongly-dependent group 2 enhancer GRCh37_chr1:186312648-186313847; plus strand). Cytogenetic location: 1q31.1.
Variant type: single nucleotide variant.
Coding change: c.3602+8A>G on transcript NM_003292.3 (MANE Select); 8 bases into the intron after coding-DNA position 3602, A replaced by G.
Molecular consequence: intron variant.
Genome position (GRCh38, 1-based): chr1:186,343,898, T>C on the plus strand (A>G on the coding strand, the complement: TPR is on the minus strand). VCF-style: chr1-186343898-T-C. GRCh37 (hg19) VCF-style: chr1-186313030-T-C.
Identifiers: ClinVar variation 3777807 (VCV003777807.7).